The following is an entry in ClinVar:

ClinVar aggregate classification (germline): Uncertain significance. Review status: criteria provided, multiple submitters, no conflicts (2 of 4 stars). 3 submissions from 3 submitters: Uncertain significance (3). Last evaluated 2026-01-22.

Conditions:
Giant axonal neuropathy 1 (GAN1). Also called: GAN-Related Neurodegeneration; GIANT AXONAL NEUROPATHY 1, AUTOSOMAL RECESSIVE. Identifiers: Orphanet 643, MedGen C1850386, MONDO:0009749, OMIM 256850.
Inborn genetic diseases. Identifiers: MedGen C0950123, MeSH D030342.

Allele frequency attached by ClinVar (database versions not stated): gnomAD exomes 0.00001; ExAC 0.00001; gnomAD 0.00002; TOPMed 0.00002; ESP Exome Variant Server 0.00015.

Submissions (3):

GeneDx
Classification: Uncertain significance. Last evaluated: 2026-01-22. Review status: criteria provided, single submitter. Criteria: GeneDx Variant Classification Process June 2021. Collection method: clinical testing. Allele origin: germline.
Comment: Not observed at significant frequency in large population cohorts (gnomAD); Missense variants in this gene are a common cause of disease and they are underrepresented in the general population; In silico analysis supports that this missense variant has a deleterious effect on protein structure/function; Has not been previously published as pathogenic or benign to our knowledge; This variant is associated with the following publications: (PMID: 27023907)

Labcorp Genetics (formerly Invitae), Labcorp
Classification: Uncertain significance for Giant axonal neuropathy 1. Last evaluated: 2023-08-24. Review status: criteria provided, single submitter. Criteria: Invitae Variant Classification Sherloc (09022015). Collection method: clinical testing. Allele origin: germline.
Comment: In summary, the available evidence is currently insufficient to determine the role of this variant in disease. Therefore, it has been classified as a Variant of Uncertain Significance. Advanced modeling of protein sequence and biophysical properties (such as structural, functional, and spatial information, amino acid conservation, physicochemical variation, residue mobility, and thermodynamic stability) performed at Invitae indicates that this missense variant is not expected to disrupt GAN protein function. ClinVar contains an entry for this variant (Variation ID: 1408531). This variant has not been reported in the literature in individuals affected with GAN-related conditions. This variant is present in population databases (rs374004725, gnomAD 0.002%). This sequence change replaces proline, which is neutral and non-polar, with serine, which is neutral and polar, at codon 349 of the GAN protein (p.Pro349Ser).

Ambry Genetics
Classification: Uncertain significance for Inborn genetic diseases. Last evaluated: 2019-10-15. Review status: criteria provided, single submitter. Criteria: Ambry Variant Classification Scheme 2023. Collection method: clinical testing. Allele origin: germline.
Comment: The p.P349S variant (also known as c.1045C>T), located in coding exon 6 of the GAN gene, results from a C to T substitution at nucleotide position 1045. The proline at codon 349 is replaced by serine, an amino acid with similar properties. This amino acid position is highly conserved in available vertebrate species. In addition, the in silico prediction for this alteration is inconclusive. Since supporting evidence is limited at this time, the clinical significance of this alteration remains unclear.

NM_022041.4(GAN):c.1045C>T (p.Pro349Ser)

Gene: GAN (gigaxonin; plus strand). Cytogenetic location: 16q23.2.
Variant type: single nucleotide variant.
Coding change: c.1045C>T on transcript NM_022041.4 (MANE Select); coding-DNA position 1045, C replaced by T.
Protein change: p.Pro349Ser; replaces proline 349 with serine.
Molecular consequence: missense variant.
Genome position (GRCh38, 1-based): chr16:81,362,570, C>T. VCF-style: chr16-81362570-C-T. GRCh37 (hg19) VCF-style: chr16-81396175-C-T.
Other names: c.406C>T, p.Pro136Ser (NM_001377486.1); short protein forms P136S, P349S.
Identifiers: ClinVar variation 1408531 (VCV001408531.9), dbSNP rs374004725, ClinGen allele CA8191585.